The following is an entry in ClinVar:

NM_004320.6(ATP2A1):c.2524G>A (p.Gly842Ser)

Gene: ATP2A1 (ATPase sarcoplasmic/endoplasmic reticulum Ca2+ transporting 1; plus strand). Cytogenetic location: 16p11.2.
Variant type: single nucleotide variant.
Coding change: c.2524G>A on transcript NM_004320.6 (MANE Select); coding-DNA position 2524, G replaced by A.
Protein change: p.Gly842Ser; replaces glycine 842 with serine.
Molecular consequence: missense variant.
Genome position (GRCh38, 1-based): chr16:28,902,386, G>A. VCF-style: chr16-28902386-G-A. GRCh37 (hg19) VCF-style: chr16-28913707-G-A.
Other names: c.2524G>A (NM_173201.3); c.2149G>A, p.Gly717Ser (NM_001286075.2); c.2524G>A, p.Gly842Ser (NM_173201.5); short protein forms G842S, G717S.
Identifiers: ClinVar variation 1378017 (VCV001378017.8), dbSNP rs751510265, ClinGen allele CA7987279.

ClinVar aggregate classification (germline): Uncertain significance. Review status: criteria provided, multiple submitters, no conflicts (2 of 4 stars). 2 submissions from 2 submitters: Uncertain significance (2). Last evaluated 2025-03-11.

Conditions:
Brody myopathy. Also called: BRODY DISEASE. Identifiers: Orphanet 53347, MedGen C1832918, MONDO:0010977, OMIM 601003.

Allele frequency attached by ClinVar (database versions not stated): TOPMed below 0.00001; ExAC 0.00001; gnomAD 0.00001; gnomAD exomes 0.00001.
gnomAD v4.1: 22 of 1,613,776 alleles (0.0014%); highest among the groups gnomAD compares: Middle Eastern, 0.066%; no homozygotes.

Submissions (2):

Labcorp Genetics (formerly Invitae), Labcorp
Classification: Uncertain significance for Brody myopathy. Last evaluated: 2025-03-11. Review status: criteria provided, single submitter. Criteria: Invitae Variant Classification Sherloc (09022015). Collection method: clinical testing. Allele origin: germline.
Comment: This sequence change replaces glycine, which is neutral and non-polar, with serine, which is neutral and polar, at codon 842 of the ATP2A1 protein (p.Gly842Ser). This variant also falls at the last nucleotide of exon 17, which is part of the consensus splice site for this exon. This variant is present in population databases (rs751510265, gnomAD 0.002%). This variant has not been reported in the literature in individuals affected with ATP2A1-related conditions. ClinVar contains an entry for this variant (Variation ID: 1378017). An algorithm developed to predict the effect of missense changes on protein structure and function (PolyPhen-2) suggests that this variant is likely to be disruptive. Variants that disrupt the consensus splice site are a relatively common cause of aberrant splicing (PMID: 17576681, 9536098). Algorithms developed to predict the effect of sequence changes on RNA splicing suggest that this variant may disrupt the consensus splice site. In summary, the available evidence is currently insufficient to determine the role of this variant in disease. Therefore, it has been classified as a Variant of Uncertain Significance.

Revvity Omics, Revvity
Classification: Uncertain significance for Brody myopathy. Last evaluated: 2023-11-02. Review status: criteria provided, single submitter. Criteria: ACMG Guidelines, 2015. Collection method: clinical testing. Allele origin: germline.

Literature cited by the submitters: PubMed 17576681 (cited by Labcorp Genetics (formerly Invitae), Labcorp); PubMed 9536098 (cited by Labcorp Genetics (formerly Invitae), Labcorp).